The following is an entry in ClinVar:

ClinVar aggregate classification (germline): Pathogenic (1 of 4 stars; one submission).

Conditions:
Hereditary nonpolyposis colorectal neoplasms. Identifiers: MedGen C0009405, MeSH D003123.

Submission:

Labcorp Genetics (formerly Invitae), Labcorp
Classification: Pathogenic for Hereditary nonpolyposis colorectal neoplasms. Last evaluated: 2020-10-06. Review status: criteria provided, single submitter. Criteria: Invitae Variant Classification Sherloc (09022015). Collection method: clinical testing. Allele origin: germline.
Comment: This variant is a gross deletion of the genomic region encompassing exon(s) 14-15 of the PMS2 gene. The 5' boundary is likely confined to intron 13. The 3' end of this event is unknown as it extends through the termination codon beyond the assayed region for this gene and may encompass additional genes. While this deletion is not anticipated to result in nonsense mediated decay, it is expected to create a truncated protein product or disrupt mRNA translation. Similar deletions of exons 14-15 have been reported in the heterozygous state in an individual affected with endometrial cancer, as well as homozygous in individuals with constitutional mismatch repair deficiency (PMID: 21618646, 24440087, 26318770). This variant is also known as c.[2276?_(*160_?)del] in the literature. ClinVar contains an entry for this variant (Variation ID: 237904). Deletion of exons 14-15 is expected to disrupt the C-terminal portion of the MLH1 interaction domain (amino acids 675-850), which has been shown to be critical for PMS2-MLH1 dimerization (PMID: 10037723), and therefore mismatch repair activity (PMID: 16338176, 20533529). This suggests that deletion of this region of the PMS2 protein is causative of disease. For these reasons, this variant has been classified as Pathogenic.

Literature cited by the submitters: PubMed 21618646; PubMed 24440087; PubMed 26318770; PubMed 10037723; PubMed 16338176; PubMed 20533529.

NC_000007.13:g.(?_6013030)_(6017398_?)del

Gene: PMS2 (PMS1 homolog 2, mismatch repair system component; minus strand). Cytogenetic location: 7p22.1.
Variant type: Deletion.
Identifiers: ClinVar variation 1072973 (VCV001072973.1).